The following is an entry in ClinVar:

NM_001130438.3(SPTAN1):c.6993dup (p.Glu2332fs)

Gene: SPTAN1 (spectrin alpha, non-erythrocytic 1; plus strand). Cytogenetic location: 9q34.11.
Variant type: Duplication.
Coding change: c.6993dup on transcript NM_001130438.3 (MANE Select); coding-DNA position 6993, one base duplicated (A; older notation c.6993dupA).
Protein change: p.Glu2332fs; shifts the reading frame from glutamic acid 2332.
Molecular consequence: frameshift variant.
Genome position (GRCh38, 1-based): chr9:128,632,464, A duplicated; the last of 3 consecutive A bases (chr9:128,632,462-128,632,464); duplicating any one gives the same sequence. VCF-style (leftmost placement, unchanged base first): chr9-128632461-C-CA. GRCh37 (hg19) VCF-style: chr9-131394740-C-CA.
Other names: c.6918dup, p.Glu2307fs (NM_001195532.2); c.7056dup, p.Glu2353fs (NM_001363759.2); c.6933dup, p.Glu2312fs (NM_001363765.2, NM_001375314.2); c.7080dup, p.Glu2361fs (NM_001375310.1); c.6993dup, p.Glu2332fs (NM_001375311.2); c.7029dup, p.Glu2344fs (NM_001375312.2); c.6975dup, p.Glu2326fs (NM_001375313.1); c.7092dup, p.Glu2365fs (NM_001375318.1); and 1 more; short protein forms E2312fs, E2353fs, E2332fs, E2361fs, E2307fs, E2326fs, E2327fs, E2344fs.
Identifiers: ClinVar variation 968834 (VCV000968834.8), dbSNP rs1859912470, ClinGen allele CA1139661229.

ClinVar aggregate classification (germline): Pathogenic (1 of 4 stars; one submission).

Conditions:
Early-infantile DEE. Also called: Ohtahara syndrome; Early infantile epileptic encephalopathy with suppression bursts; Early infantile epileptic encephalopathy. Identifiers: Orphanet 1934, MedGen C0393706, MONDO:0800491.

Submission:

Labcorp Genetics (formerly Invitae), Labcorp
Classification: Pathogenic for Early-infantile DEE. Last evaluated: 2021-01-04. Review status: criteria provided, single submitter. Criteria: Invitae Variant Classification Sherloc (09022015). Collection method: clinical testing. Allele origin: germline.
Comment: This sequence change creates a premature translational stop signal (p.Glu2332Argfs*7) in the SPTAN1 gene. It is expected to result in an absent or disrupted protein product. Loss-of-function variants in SPTAN1 are known to be pathogenic (PMID: 31332438, 33206935). This variant is not present in population databases (ExAC no frequency). This variant has not been reported in the literature in individuals with SPTAN1-related conditions. ClinVar contains an entry for this variant (Variation ID: 968834). For these reasons, this variant has been classified as Pathogenic.

Literature cited by the submitters: PubMed 31332438; PubMed 33206935.